The following is an entry in ClinVar:

ClinVar aggregate classification (germline): Uncertain significance (1 of 4 stars; one submission).

Conditions:
Gastrointestinal stromal tumor. Also called: Gastrointestinal stromal tumor, somatic; Gastrointestinal stroma tumor. Identifiers: Orphanet 44890, MedGen C0238198, MeSH D046152, MONDO:0011719, OMIM 606764, HP:0100723.

gnomAD v4.1: 1 of 1,613,840 alleles (0.000062%); highest among the groups gnomAD compares: Non-Finnish European, 0.000085%; no homozygotes.

Submission:

Labcorp Genetics (formerly Invitae), Labcorp
Classification: Uncertain significance for Gastrointestinal stromal tumor. Last evaluated: 2025-03-03. Review status: criteria provided, single submitter. Criteria: Invitae Variant Classification Sherloc (09022015). Collection method: clinical testing. Allele origin: germline.
Comment: This sequence change replaces leucine, which is neutral and non-polar, with isoleucine, which is neutral and non-polar, at codon 393 of the KIT protein (p.Leu393Ile). This variant is present in population databases (no rsID available, gnomAD 0.0009%). This variant has not been reported in the literature in individuals affected with KIT-related conditions. ClinVar contains an entry for this variant (Variation ID: 854466). An algorithm developed to predict the effect of missense changes on protein structure and function (PolyPhen-2) suggests that this variant is likely to be tolerated. In summary, the available evidence is currently insufficient to determine the role of this variant in disease. Therefore, it has been classified as a Variant of Uncertain Significance.

NM_000222.3(KIT):c.1177C>A (p.Leu393Ile)

Gene: KIT (KIT proto-oncogene, receptor tyrosine kinase; plus strand). Cytogenetic location: 4q12.
Variant type: single nucleotide variant.
Coding change: c.1177C>A on transcript NM_000222.3 (MANE Select); coding-DNA position 1177, C replaced by A.
Protein change: p.Leu393Ile; replaces leucine 393 with isoleucine.
Molecular consequence: missense variant.
Genome position (GRCh38, 1-based): chr4:54,709,485, C>A. VCF-style: chr4-54709485-C-A. GRCh37 (hg19) VCF-style: chr4-55575651-C-A.
Other names: c.1177C>A, p.Leu393Ile (NM_001093772.2, NM_001385285.1, NM_001385286.1); c.1180C>A, p.Leu394Ile (NM_001385284.1, NM_001385288.1, NM_001385290.1 and 1 more transcripts); short protein forms L393I, L394I.
Identifiers: ClinVar variation 854466 (VCV000854466.10), dbSNP rs750332587, ClinGen allele CA356902379.
Genomic context (GRCh38, chr4:54,709,485, plus strand): 5'-TACGTAAGTGAACTTCATCTAACGAGATTAAAAGGCACCGAAGGAGGCACTTACACATTC[C>A]TAGTGTCCAATTCTGACGTCAATGCTGCCATAGCATTTAATGTTTATGTGAATAGTAAGT-3'
Protein context (NP_000213.1, residues 383-403): KGTEGGTYTF[Leu393Ile]VSNSDVNAAI